The following is an entry in ClinVar:

ClinVar aggregate classification (germline): Uncertain significance. Review status: criteria provided, multiple submitters, no conflicts (2 of 4 stars). 2 submissions from 2 submitters: Uncertain significance (2). Last evaluated 2022-07-25.

Conditions:
Inborn genetic diseases. Identifiers: MedGen C0950123, MeSH D030342.
Hyperphosphatasia with intellectual disability syndrome 5 (GPIBD11). Also called: GLYCOSYLPHOSPHATIDYLINOSITOL BIOSYNTHESIS DEFECT 11. Identifiers: Orphanet 247262, MedGen C4014958, MONDO:0014457, OMIM 616025.

Allele frequency attached by ClinVar (database versions not stated): ExAC 0.00002; gnomAD exomes 0.00002; TOPMed 0.00002; gnomAD 0.00003 and 0.00004.
gnomAD v4.1: 27 of 1,613,946 alleles (0.0017%); highest among the groups gnomAD compares: Non-Finnish European, 0.0023%; no homozygotes.

Submissions (2):

Labcorp Genetics (formerly Invitae), Labcorp
Classification: Uncertain significance for Hyperphosphatasia with intellectual disability syndrome 5. Last evaluated: 2022-07-25. Review status: criteria provided, single submitter. Criteria: Invitae Variant Classification Sherloc (09022015). Collection method: clinical testing. Allele origin: germline.
Comment: This sequence change replaces tyrosine, which is neutral and polar, with histidine, which is basic and polar, at codon 98 of the PIGW protein (p.Tyr98His). This variant is present in population databases (rs144724068, gnomAD 0.003%). This variant has not been reported in the literature in individuals affected with PIGW-related conditions. ClinVar contains an entry for this variant (Variation ID: 1467375). Algorithms developed to predict the effect of missense changes on protein structure and function (SIFT, PolyPhen-2, Align-GVGD) all suggest that this variant is likely to be tolerated. In summary, the available evidence is currently insufficient to determine the role of this variant in disease. Therefore, it has been classified as a Variant of Uncertain Significance.

Ambry Genetics
Classification: Uncertain significance for Inborn genetic diseases. Last evaluated: 2021-07-13. Review status: criteria provided, single submitter. Criteria: Ambry Variant Classification Scheme 2023. Collection method: clinical testing. Allele origin: germline.

NM_001346754.2(PIGW):c.292T>C (p.Tyr98His)

Genes: MYO19 (myosin XIX; minus strand), PIGW (phosphatidylinositol glycan anchor biosynthesis class W; plus strand). Cytogenetic location: 17q12.
Variant type: single nucleotide variant.
Coding change: c.292T>C on transcript NM_001346754.2 (MANE Select); coding-DNA position 292, T replaced by C.
Protein change: p.Tyr98His; replaces tyrosine 98 with histidine.
Molecular consequence: missense variant.
Genome position (GRCh38, 1-based): chr17:36,537,393, T>C. VCF-style: chr17-36537393-T-C. GRCh37 (hg19) VCF-style: chr17-34893242-T-C.
Other names: c.292T>C, p.Tyr98His (NM_001346755.2, NM_178517.5); c.292T>C (NM_178517.3); short protein forms Y98H.
Identifiers: ClinVar variation 1467375 (VCV001467375.6), dbSNP rs144724068, ClinGen allele CA290115834.